The following is an entry in ClinVar:

ClinVar aggregate classification (germline): Uncertain significance (1 of 4 stars; one submission).

Submission:

Ambry Genetics
Classification: Uncertain significance. Last evaluated: 2024-05-04. Review status: criteria provided, single submitter. Criteria: Ambry Variant Classification Scheme 2023. Collection method: clinical testing. Allele origin: germline.
Comment: The p.V258I variant (also known as c.772G>A), located in coding exon 6 of the BUB3 gene, results from a G to A substitution at nucleotide position 772. The valine at codon 258 is replaced by isoleucine, an amino acid with highly similar properties. This amino acid position is conserved. In addition, this alteration is predicted to be tolerated by in silico analysis. Based on the available evidence, the clinical significance of this variant remains unclear.

NM_004725.4(BUB3):c.772G>A (p.Val258Ile)

Gene: BUB3 (BUB3 mitotic checkpoint protein; plus strand). Cytogenetic location: 10q26.13.
Variant type: single nucleotide variant.
Coding change: c.772G>A on transcript NM_004725.4 (MANE Select); coding-DNA position 772, G replaced by A.
Protein change: p.Val258Ile; replaces valine 258 with isoleucine.
Molecular consequence: missense variant.
Genome position (GRCh38, 1-based): chr10:123,162,629, G>A. VCF-style: chr10-123162629-G-A. GRCh37 (hg19) VCF-style: chr10-124922145-G-A.
Other names: c.772G>A, p.Val258Ile (NM_001007793.3); short protein forms V258I.
Identifiers: ClinVar variation 3262304 (VCV003262304.1).
Genomic context (GRCh38, chr10:123,162,629, plus strand): 5'-CTGGTGTTAAGAACCATTTTAACTGTTTTGAAATTACTTCCAGGTGGTTCTGATGGCTTT[G>A]TAAATATTTGGGATCCATTTAACAAAAAGCGACTGTGCCAATTCCATCGGTACCCCACGA-3'
Protein context (NP_004716.1, residues 248-268): TFATGGSDGF[Val258Ile]NIWDPFNKKR